The following is an entry in ClinVar:

ClinVar aggregate classification (germline): Uncertain significance. Review status: criteria provided, multiple submitters, no conflicts (2 of 4 stars). 2 submissions from 2 submitters: Uncertain significance (2). Last evaluated 2025-03-13.

Submissions (2):

GeneDx
Classification: Uncertain significance. Last evaluated: 2025-03-13. Review status: criteria provided, single submitter. Criteria: GeneDx Variant Classification Process June 2021. Collection method: clinical testing. Allele origin: germline.
Comment: Identified in a patient with developmental delay, hypotonia, and periventricular white matter thinning in the published literature, however, family segregation studies were not performed (PMID: 38387458); Not observed at significant frequency in large population cohorts (gnomAD); In silico analysis supports that this missense variant has a deleterious effect on protein structure/function; This variant is associated with the following publications: (PMID: 38387458)

Ambry Genetics
Classification: Uncertain significance. Last evaluated: 2022-04-21. Review status: criteria provided, single submitter. Criteria: Ambry Variant Classification Scheme 2023. Collection method: clinical testing. Allele origin: germline.

NM_144973.4(DENND5B):c.709C>T (p.Pro237Ser)

Gene: DENND5B (DENN domain containing 5B; minus strand). Cytogenetic location: 12p11.21.
Variant type: single nucleotide variant.
Coding change: c.709C>T on transcript NM_144973.4 (MANE Select); coding-DNA position 709, C replaced by T.
Protein change: p.Pro237Ser; replaces proline 237 with serine.
Molecular consequence: missense variant. On other transcripts: intron variant (1).
Genome position (GRCh38, 1-based): chr12:31,479,784, G>A on the plus strand (C>T on the coding strand, the complement: DENND5B is on the minus strand). VCF-style: chr12-31479784-G-A. GRCh37 (hg19) VCF-style: chr12-31632718-G-A.
Other names: c.814C>T, p.Pro272Ser (NM_001308339.2); c.775C>T, p.Pro259Ser (NM_001366890.1, NM_001366893.1); c.709C>T, p.Pro237Ser (NM_001366892.1); c.373+336C>T (NM_001366891.1); short protein forms P237S, P272S, P259S.
Identifiers: ClinVar variation 2284527 (VCV002284527.4), dbSNP rs1945986121, ClinGen allele CA384259978.
Genomic context (GRCh38, chr12:31,479,784, plus strand): 5'-GGCAGATGACAGGTTCATAAACACCATAAAATTTCAGTGACCTCCCTGGAGGTGGAAGGG[G>A]TACTTCATAAAGAATATTGTGGATATAGCTTTCAAGTGGCAAGGGTGGTGGCTGCTGTGA-3'
Protein context (NP_659410.3, residues 227-247): SYIHNILYEV[Pro237Ser]LPPPGRSLKF